The following is an entry in ClinVar:

ClinVar aggregate classification (germline): Uncertain significance (1 of 4 stars; one submission).

Submission:

Labcorp Genetics (formerly Invitae), Labcorp
Classification: Uncertain significance. Last evaluated: 2018-01-23. Review status: criteria provided, single submitter. Criteria: Invitae Variant Classification Sherloc (09022015). Collection method: clinical testing. Allele origin: germline.
Comment: In summary, the available evidence is currently insufficient to determine the role of this variant in disease. Therefore, it has been classified as a Variant of Uncertain Significance. Algorithms developed to predict the effect of missense changes on protein structure and function do not agree on the potential impact of this missense change (SIFT: "Tolerated"; PolyPhen-2: "Probably Damaging"; Align-GVGD: "Class C0"). This variant has not been reported in the literature in individuals with IKBKAP-related disease. This variant is not present in population databases (ExAC no frequency). This sequence change replaces phenylalanine with leucine at codon 742 of the IKBKAP protein (p.Phe742Leu). The phenylalanine residue is highly conserved and there is a small physicochemical difference between phenylalanine and leucine.

NM_003640.5(ELP1):c.2224T>C (p.Phe742Leu)

Gene: ELP1 (elongator acetyltransferase complex subunit 1; minus strand). Cytogenetic location: 9q31.3.
Variant type: single nucleotide variant.
Coding change: c.2224T>C on transcript NM_003640.5 (MANE Select); coding-DNA position 2224, T replaced by C.
Protein change: p.Phe742Leu; replaces phenylalanine 742 with leucine.
Molecular consequence: missense variant.
Genome position (GRCh38, 1-based): chr9:108,898,730, A>G on the plus strand (T>C on the coding strand, the complement: ELP1 is on the minus strand). VCF-style: chr9-108898730-A-G. GRCh37 (hg19) VCF-style: chr9-111661010-A-G.
Other names: c.2224T>C (LRG_251t1); c.1882T>C, p.Phe628Leu (NM_001318360.2); c.1177T>C, p.Phe393Leu (NM_001330749.2); short protein forms F742L, F628L, F393L.
Identifiers: ClinVar variation 575521 (VCV000575521.9), dbSNP rs1564085701, ClinGen allele CA374422218.
Genomic context (GRCh38, chr9:108,898,730, plus strand): 5'-CCTTAGGGTTATGATCATAAATCAGATTGAGATTGATTCTCAGCTTTCTCATGCATTCAA[A>G]TGCCTCTTTAAACATAAGTCTGTGAGAAGACAGAGAAAGAATAGAAAAGATATTCACAAA-3'
Protein context (NP_003631.2, residues 732-752): WLDKLMFKEA[Phe742Leu]ECMRKLRINL